The following is an entry in ClinVar:

ClinVar aggregate classification (germline): Uncertain significance. Review status: criteria provided, multiple submitters, no conflicts (2 of 4 stars). 2 submissions from 2 submitters: Uncertain significance (2). Last evaluated 2025-08-22.

Conditions:
Familial thoracic aortic aneurysm and aortic dissection (TAAD). Also called: Thoracic aortic aneurysms and dissections. Identifiers: Orphanet 91387, MedGen C4707243, MONDO:0019625.

Allele frequency attached by ClinVar (database versions not stated): gnomAD exomes below 0.00001; gnomAD 0.00001; TOPMed 0.00001.
gnomAD v4.1: 6 of 1,609,058 alleles (0.00037%); highest among the groups gnomAD compares: African/African-American, 0.0013%; no homozygotes.

Submissions (2):

Ambry Genetics
Classification: Uncertain significance for Familial thoracic aortic aneurysm and aortic dissection. Last evaluated: 2025-08-22. Review status: criteria provided, single submitter. Criteria: Ambry Variant Classification Scheme 2023. Collection method: clinical testing. Allele origin: germline.

All of Us Research Program, National Institutes of Health
Classification: Uncertain significance for Familial thoracic aortic aneurysm and aortic dissection. Last evaluated: 2023-08-28. Review status: criteria provided, single submitter. Criteria: ACMG Guidelines, 2015. Collection method: clinical testing. Allele origin: germline. Inheritance: Autosomal dominant inheritance. Observed: 1 variant allele, 1 heterozygote.
Comment: This missense variant replaces alanine with valine at codon 1769 of the MYH11 protein. Computational prediction is inconclusive regarding the impact of this variant on protein structure and function (internally defined REVEL score threshold 0.5 < inconclusive < 0.7, PMID: 27666373). To our knowledge, functional studies have not been reported for this variant. This variant has not been reported in individuals affected with MYH11-related disorders in the literature. This variant has not been identified in the general population by the Genome Aggregation Database (gnomAD). The available evidence is insufficient to determine the role of this variant in disease conclusively. Therefore, this variant is classified as a Variant of Uncertain Significance.

This study involves interpretation of variants in research participants for the purpose of population health screening. Participant phenotype was not available at the time of variant classification. Additional details can be found in publication PMID: 35346344, PMCID: PMC8962531

NM_002474.3(MYH11):c.5285C>T (p.Ala1762Val)

Genes: NDE1 (nudE neurodevelopment protein 1; plus strand), MYH11 (myosin heavy chain 11; minus strand). Cytogenetic location: 16p13.11.
Variant type: single nucleotide variant.
Coding change: c.5285C>T on transcript NM_002474.3 (MANE Select); coding-DNA position 5285, C replaced by T.
Protein change: p.Ala1762Val; replaces alanine 1762 with valine.
Molecular consequence: missense variant. On other transcripts: intron variant (2).
Genome position (GRCh38, 1-based): chr16:15,718,325, G>A on the plus strand (C>T on the coding strand, the complement: MYH11 is on the minus strand). VCF-style: chr16-15718325-G-A. GRCh37 (hg19) VCF-style: chr16-15812182-G-A.
Other names: c.5306C>T, p.Ala1769Val (NM_001040113.2, NM_001040114.2); c.5285C>T, p.Ala1762Val (NM_022844.3); c.948-5866G>A (NM_001143979.2, NM_017668.3); c.5285C>T (NM_002474.2); short protein forms A1762V, A1769V.
Identifiers: ClinVar variation 3073249 (VCV003073249.2), dbSNP rs1051107286, ClinGen allele CA278596015.
Genomic context (GRCh38, chr16:15,718,325, plus strand): 5'-TGCAGGAGAGACAGTAGGCAGCGTGACTGTGGTGTCCAGGCGGCCCTCACCTGCTGTGTG[G>A]CTTTGCGGACCCGGTCGCTCATGGCCTCCATGTTGCCCTGCTCCTCCTCCAGCTCCTCCT-3'
Protein context (NP_002465.1, residues 1752-1772): MEAMSDRVRK[Ala1762Val]TQQAEQLSNE